The following is an entry in ClinVar:

NM_000326.5(RLBP1):c.478C>A (p.Leu160Ile)

Gene: RLBP1 (retinaldehyde binding protein 1; minus strand). Cytogenetic location: 15q26.1.
Variant type: single nucleotide variant.
Coding change: c.478C>A on transcript NM_000326.5 (MANE Select); coding-DNA position 478, C replaced by A.
Protein change: p.Leu160Ile; replaces leucine 160 with isoleucine.
Molecular consequence: missense variant.
Genome position (GRCh38, 1-based): chr15:89,215,107, G>T on the plus strand (C>A on the coding strand, the complement: RLBP1 is on the minus strand). VCF-style: chr15-89215107-G-T. GRCh37 (hg19) VCF-style: chr15-89758338-G-T.
Other names: short protein forms L160I.
Identifiers: ClinVar variation 1503717 (VCV001503717.3), dbSNP rs771709312, ClinGen allele CA7722274.

ClinVar aggregate classification (germline): Uncertain significance (1 of 4 stars; one submission).

Allele frequency attached by ClinVar (database versions not stated): TOPMed 0.00001; ExAC 0.00002; gnomAD exomes 0.00004.

Submission:

Labcorp Genetics (formerly Invitae), Labcorp
Classification: Uncertain significance. Last evaluated: 2022-08-16. Review status: criteria provided, single submitter. Criteria: Invitae Variant Classification Sherloc (09022015). Collection method: clinical testing. Allele origin: germline.
Comment: This sequence change replaces leucine, which is neutral and non-polar, with isoleucine, which is neutral and non-polar, at codon 160 of the RLBP1 protein (p.Leu160Ile). This variant is present in population databases (rs771709312, gnomAD 0.03%). This variant has not been reported in the literature in individuals affected with RLBP1-related conditions. ClinVar contains an entry for this variant (Variation ID: 1503717). Algorithms developed to predict the effect of missense changes on protein structure and function output the following: SIFT: "Tolerated"; PolyPhen-2: "Benign"; Align-GVGD: "Class C0". The isoleucine amino acid residue is found in multiple mammalian species, which suggests that this missense change does not adversely affect protein function. In summary, the available evidence is currently insufficient to determine the role of this variant in disease. Therefore, it has been classified as a Variant of Uncertain Significance.